The following is an entry in ClinVar:

ClinVar aggregate classification (germline): Uncertain significance (0 of 4 stars; one submission).

Conditions:
CACNA1C-related disorder. Also called: CACNA1C-related disorders; CACNA1C-related condition. Identifiers: MedGen CN381092, MONDO:0700321.

gnomAD v4.1: 10 of 1,613,740 alleles (0.00062%); highest among the groups gnomAD compares: African/African-American, 0.0027%; no homozygotes.

Submission:

PreventionGenetics, part of Exact Sciences
Classification: Uncertain significance for CACNA1C-related condition. Last evaluated: 2024-06-19. Review status: no assertion criteria provided. Collection method: clinical testing. Allele origin: germline.
Comment: The CACNA1C c.3967C>T variant is predicted to result in the amino acid substitution p.Pro1323Ser. In an alternate transcript (NM_000719.6), this variant is known as c.3946-45C>T and is located in an intronic region. To our knowledge, this variant has not been reported in the literature. This variant is reported in 0.0029% of alleles in individuals of Latino descent in gnomAD. At this time, the clinical significance of this variant is uncertain due to the absence of conclusive functional and genetic evidence.

NM_000719.7(CACNA1C):c.3946-45C>T

Gene: CACNA1C (calcium voltage-gated channel subunit alpha1 C; plus strand). Cytogenetic location: 12p13.33.
Variant type: single nucleotide variant.
Coding change: c.3946-45C>T on transcript NM_000719.7 (MANE Select); 45 bases into the intron before coding-DNA position 3946, C replaced by T.
Molecular consequence: intron variant. On other transcripts: missense variant (1).
Genome position (GRCh38, 1-based): chr12:2,651,595, C>T. VCF-style: chr12-2651595-C-T. GRCh37 (hg19) VCF-style: chr12-2760761-C-T.
Other names: c.3967C>T, p.Pro1323Ser (NM_001129829.2); c.3946-45C>T (NM_001167624.3, NM_001167623.2, NM_001129840.2 and 7 more transcripts); c.3913-45C>T (NM_001167625.2, NM_001129837.2, NM_001129838.2 and 1 more transcripts); c.4090-45C>T (NM_199460.4, NM_001129827.2); c.4006-45C>T (NM_001129832.2); c.4030-45C>T (NM_001129831.2); c.3907-45C>T (NM_001129839.2); c.3997-45C>T (NM_001129836.2); and 1 more; short protein forms P1323S.
Identifiers: ClinVar variation 3354878 (VCV003354878.1).